The following is an entry in ClinVar:

ClinVar aggregate classification (germline): Uncertain significance (1 of 4 stars; one submission).

gnomAD v4.1: 19 of 1,614,172 alleles (0.0012%); highest among the groups gnomAD compares: East Asian, 0.0045%; no homozygotes.

Submission:

Ambry Genetics
Classification: Uncertain significance. Last evaluated: 2025-10-22. Review status: criteria provided, single submitter. Criteria: Ambry Variant Classification Scheme 2023. Collection method: clinical testing. Allele origin: germline.
Comment: The c.85G>A (p.G29S) alteration is located in exon 1 (coding exon 1) of the HIST1H4C gene. This alteration results from a G to A substitution at nucleotide position 85, causing the glycine (G) at amino acid position 29 to be replaced by a serine (S). Based on data from gnomAD, the A allele has an overall frequency of 0.002% (6/282754) total alleles studied. The highest observed frequency was 0.01% (1/10366) of Ashkenazi Jewish alleles. Based on insufficient or conflicting evidence, the clinical significance of this alteration remains unclear.

NM_003542.4(H4C3):c.85G>A (p.Gly29Ser)

Gene: H4C3 (H4 clustered histone 3; plus strand). Cytogenetic location: 6p22.2.
Variant type: single nucleotide variant.
Coding change: c.85G>A on transcript NM_003542.4 (MANE Select); coding-DNA position 85, G replaced by A.
Protein change: p.Gly29Ser; replaces glycine 29 with serine.
Molecular consequence: missense variant.
Genome position (GRCh38, 1-based): chr6:26,104,032, G>A. VCF-style: chr6-26104032-G-A. GRCh37 (hg19) VCF-style: chr6-26104260-G-A.
Other names: short protein forms G29S.
Identifiers: ClinVar variation 4674757 (VCV004674757.1).